The following is an entry in ClinVar:

ClinVar aggregate classification (germline): Benign/Likely benign. Review status: criteria provided, multiple submitters, no conflicts (2 of 4 stars). 7 submissions from 7 submitters: Benign (4); Likely benign (2). 1 of the submissions does not count toward it. Last evaluated 2026-02-01.

Conditions:
Autosomal dominant optic atrophy classic form (OPA1). Also called: KJER-TYPE OPTIC ATROPHY; OPTIC ATROPHY, JUVENILE; Optic Atrophy Type 1. Identifiers: Orphanet 98673, MedGen C0338508, MONDO:0008134, OMIM 165500.

Allele frequency attached by ClinVar (database versions not stated): 1000 Genomes Project 30x 0.01359; gnomAD 0.00746 and 0.00753; TOPMed 0.00819; 1000 Genomes Project 0.01218; gnomAD exomes 0.00194 and 0.00445; ExAC 0.00512; ESP Exome Variant Server 0.00661.
gnomAD v4.1: 4,081 of 1,613,918 alleles (0.25%); highest among the groups gnomAD compares: East Asian, 2.2%; 44 homozygotes.

Submissions (7):

Labcorp Genetics (formerly Invitae), Labcorp
Classification: Benign. Last evaluated: 2026-02-01. Review status: criteria provided, single submitter. Criteria: Invitae Variant Classification Sherloc (09022015). Collection method: clinical testing. Allele origin: germline.

Athena Diagnostics
Classification: Benign. Last evaluated: 2018-07-17. Review status: criteria provided, single submitter. Criteria: Athena Diagnostics Criteria. Collection method: clinical testing. Allele origin: germline.

Illumina Laboratory Services, Illumina
Classification: Likely benign for Autosomal dominant optic atrophy classic form. Last evaluated: 2017-04-27. Review status: criteria provided, single submitter. Criteria: ICSL Variant Classification Criteria 13 December 2019. Collection method: clinical testing. Allele origin: germline.
Comment: This variant was observed as part of a predisposition screen in an ostensibly healthy population. A literature search was performed for the gene, cDNA change, and amino acid change (where applicable). Publications were found based on this search. The evidence from the literature, in combination with allele frequency data from public databases where available, was sufficient to determine this variant is unlikely to cause disease. Therefore, this variant is classified as likely benign.

Eurofins Ntd Llc (ga)
Classification: Benign. Last evaluated: 2013-01-11. Review status: criteria provided, single submitter. Criteria: EGL Classification Definitions 2015. Collection method: clinical testing. Allele origin: germline. Observed: 7 variant alleles, 7 heterozygotes.

GeneDx
Classification: Benign. Last evaluated: 2012-04-18. Review status: criteria provided, single submitter. Criteria: GeneDx Variant Classification (06012015). Collection method: clinical testing. Allele origin: germline. Affected: yes.
Comment: This variant is considered likely benign or benign based on one or more of the following criteria: it is a conservative change, it occurs at a poorly conserved position in the protein, it is predicted to be benign by multiple in silico algorithms, and/or has population frequency not consistent with disease.

Breakthrough Genomics
Classification: Likely benign. Review status: criteria provided, single submitter. Criteria: ACMG Guidelines, 2015. Collection method: not provided. Allele origin: germline. Inheritance: Autosomal recessive inheritance. Affected: yes.

Mayo Clinic Laboratories, Mayo Clinic
Classification: Likely benign. Last evaluated: 2016-03-16. Review status: no assertion criteria provided. Collection method: clinical testing. Allele origin: unknown. Not counted in ClinVar's aggregate classification.

Literature cited by the submitters: PubMed 23401657 (cited by Illumina Laboratory Services, Illumina).

NM_130837.3(OPA1):c.2049A>G (p.Val683=)

Gene: OPA1 (OPA1 mitochondrial dynamin like GTPase; plus strand). Cytogenetic location: 3q29.
Variant type: single nucleotide variant.
Coding change: c.2049A>G on transcript NM_130837.3 (MANE Select); coding-DNA position 2049, A replaced by G.
Protein change: p.Val683=; no amino-acid change (valine 683 retained).
Molecular consequence: synonymous variant.
Genome position (GRCh38, 1-based): chr3:193,654,898, A>G. VCF-style: chr3-193654898-A-G. GRCh37 (hg19) VCF-style: chr3-193372687-A-G.
Other names: p.V628V:GTA>GTG; c.1515A>G, p.Val505= (NM_001354663.2); c.1512A>G, p.Val504= (NM_001354664.2); c.1884A>G, p.Val628= (NM_015560.3); c.1776A>G, p.Val592= (NM_130831.3); c.1830A>G, p.Val610= (NM_130832.3); c.1887A>G, p.Val629= (NM_130833.3); c.1938A>G, p.Val646= (NM_130834.3); and 2 more.
Identifiers: ClinVar variation 95716 (VCV000095716.22), dbSNP rs73069703, ClinGen allele CA285707.